The following is an entry in ClinVar:

NM_000618.5(IGF1):c.63+5A>G

Genes: IGF1 (insulin like growth factor 1; minus strand), LINC02456 (long intergenic non-protein coding RNA 2456; plus strand). Cytogenetic location: 12q23.2.
Variant type: single nucleotide variant.
Coding change: c.63+5A>G on transcript NM_000618.5 (MANE Select); 5 bases into the intron after coding-DNA position 63, A replaced by G.
Molecular consequence: intron variant.
Genome position (GRCh38, 1-based): chr12:102,480,314, T>C on the plus strand (A>G on the coding strand, the complement: IGF1 is on the minus strand). VCF-style: chr12-102480314-T-C. GRCh37 (hg19) VCF-style: chr12-102874092-T-C.
Other names: c.63+5A>G (NM_001111283.3, NM_001111285.3).
Identifiers: ClinVar variation 1968226 (VCV001968226.2), dbSNP rs368019923, ClinGen allele CA6748646.

ClinVar aggregate classification (germline): Uncertain significance (1 of 4 stars; one submission).

Allele frequency attached by ClinVar (database versions not stated): ExAC 0.00002; gnomAD exomes 0.00002; gnomAD 0.00003; TOPMed 0.00003; ESP Exome Variant Server 0.00015.

Submission:

Labcorp Genetics (formerly Invitae), Labcorp
Classification: Uncertain significance. Last evaluated: 2022-08-20. Review status: criteria provided, single submitter. Criteria: Invitae Variant Classification Sherloc (09022015). Collection method: clinical testing. Allele origin: germline.
Comment: This sequence change falls in intron 1 of the IGF1 gene. It does not directly change the encoded amino acid sequence of the IGF1 protein. It affects a nucleotide within the consensus splice site. This variant is present in population databases (rs368019923, gnomAD 0.004%). This variant has not been reported in the literature in individuals affected with IGF1-related conditions. Variants that disrupt the consensus splice site are a relatively common cause of aberrant splicing (PMID: 17576681, 9536098). Algorithms developed to predict the effect of sequence changes on RNA splicing suggest that this variant is not likely to affect RNA splicing. In summary, the available evidence is currently insufficient to determine the role of this variant in disease. Therefore, it has been classified as a Variant of Uncertain Significance.

Literature cited by the submitters: PubMed 17576681; PubMed 9536098.